The following is an entry in ClinVar:

NM_001080453.3(INTS1):c.6309dup (p.Phe2104fs)

Gene: INTS1 (integrator complex subunit 1; minus strand). Cytogenetic location: 7p22.3.
Variant type: Duplication.
Coding change: c.6309dup on transcript NM_001080453.3 (MANE Select); coding-DNA position 6309, one base duplicated (C; older notation c.6309dupC).
Protein change: p.Phe2104fs; shifts the reading frame from phenylalanine 2104.
Molecular consequence: frameshift variant.
Genome position (GRCh38, 1-based): chr7:1,471,171, G duplicated on the plus strand (C on the coding strand, the reverse complement: INTS1 is on the minus strand); the first of 2 consecutive G bases (chr7:1,471,171-1,471,172); duplicating either gives the same sequence. VCF-style (leftmost placement, unchanged base first): chr7-1471170-A-AG. GRCh37 (hg19) VCF-style: chr7-1510806-A-AG.
Other names: short protein forms F2104fs.
Identifiers: ClinVar variation 3377133 (VCV003377133.1).

ClinVar aggregate classification (germline): Uncertain significance (1 of 4 stars; one submission).

Conditions:
Neurodevelopmental disorder with cataracts, poor growth, and dysmorphic facies. Identifiers: MedGen C5231414, MONDO:0032817, OMIM 618571.

Submission:

Victorian Clinical Genetics Services, Murdoch Childrens Research Institute
Classification: Uncertain significance for Neurodevelopmental disorder with cataracts, poor growth, and dysmorphic facies. Last evaluated: 2024-10-09. Review status: criteria provided, single submitter. Criteria: ACMG Guidelines, 2015. Collection method: clinical testing. Allele origin: germline. Inheritance: Autosomal recessive inheritance. Affected: yes.
Comment: Based on the classification scheme VCGS_Germline_v1.3.4, this variant is classified as VUS-3B. Following criteria are met: 0102 - Loss of function is a known mechanism of disease in this gene and is associated with neurodevelopmental disorder with motor and language delay, ocular defects, and brain abnormalities (MIM#620428). (I) 0106 - This gene is associated with autosomal recessive disease. (I) 0205 - Variant is predicted to result in a truncated protein (premature termination codon is NOT located at least 54 nucleotides upstream of the final exon-exon junction) with less than 1/3 of the protein sequence affected. (SP) 0251 - This variant is heterozygous. (I) 0304 - Variant is present in gnomAD (v4) <0.01 for a recessive condition (33 heterozygotes, 0 homozygotes). (SP) 0604 - Variant does not affect an established domain, motif, hotspot or informative constraint region. (I) 0710 - Another downstream truncation variant comparable to the one identified in this case has inconclusive previous evidence for pathogenicity (ClinVar). (I) 0807 - This variant has no previous evidence of pathogenicity. (I) 0905 - No published segregation evidence has been identified for this variant. (I) 1007 - No published functional evidence has been identified for this variant. (I) Legend: (SP) - Supporting pathogenic, (I) - Information, (SB) - Supporting benign